The following is an entry in ClinVar:

ClinVar aggregate classification (germline): Conflicting classifications of pathogenicity. Review status: criteria provided, conflicting classifications (1 of 4 stars). 4 submissions from 4 submitters: Uncertain significance (3); Likely benign (1). Last evaluated 2023-09-22.

Conditions:
Autosomal recessive nonsyndromic hearing loss 63. Identifiers: Orphanet 90636, MedGen C1969621, MONDO:0012670, OMIM 611451.
Inborn genetic diseases. Identifiers: MedGen C0950123, MeSH D030342.

Allele frequency attached by ClinVar (database versions not stated): TOPMed 0.00007; gnomAD 0.00014 and 0.00015; 1000 Genomes Project 30x 0.00016.
gnomAD v4.1: 69 of 1,550,752 alleles (0.0044%); highest among the groups gnomAD compares: East Asian, 0.071%; 1 homozygote.

Submissions (4):

Ambry Genetics
Classification: Uncertain significance for Inborn genetic diseases. Last evaluated: 2023-09-22. Review status: criteria provided, single submitter. Criteria: Ambry Variant Classification Scheme 2023. Collection method: clinical testing. Allele origin: germline.

Labcorp Genetics (formerly Invitae), Labcorp
Classification: Uncertain significance. Last evaluated: 2021-11-05. Review status: criteria provided, single submitter. Criteria: Invitae Variant Classification Sherloc (09022015). Collection method: clinical testing. Allele origin: germline.
Comment: This sequence change replaces arginine, which is basic and polar, with glutamine, which is neutral and polar, at codon 70 of the LRTOMT protein (p.Arg70Gln). This variant is present in population databases (rs188715129, gnomAD 0.2%). This variant has not been reported in the literature in individuals affected with LRTOMT-related conditions. ClinVar contains an entry for this variant (Variation ID: 305991). Algorithms developed to predict the effect of missense changes on protein structure and function (SIFT, PolyPhen-2, Align-GVGD) all suggest that this variant is likely to be tolerated. In summary, the available evidence is currently insufficient to determine the role of this variant in disease. Therefore, it has been classified as a Variant of Uncertain Significance.

Laboratory for Molecular Medicine, Mass General Brigham Personalized Medicine
Classification: Likely benign. Last evaluated: 2019-05-22. Review status: criteria provided, single submitter. Criteria: LMM Criteria. Collection method: clinical testing. Allele origin: germline. Observed: 1 variant allele.
Comment: The p.Arg70Gln variant in LRTOMT is classified as likely benign because it has been identified in 0.19% (24/12456) of East Asian chromosomes by gnomAD, and computational prediction tools predict that this variant does not impact the protein. ACMG/AMP Criteria applied: BS1_Supporting, BP4.

Illumina Laboratory Services, Illumina
Classification: Uncertain significance for Autosomal recessive nonsyndromic hearing loss 63. Last evaluated: 2018-01-13. Review status: criteria provided, single submitter. Criteria: ICSL Variant Classification Criteria 13 December 2019. Collection method: clinical testing. Allele origin: germline.

NM_001145308.5(LRTOMT):c.209G>A (p.Arg70Gln)

Genes: LRTOMT (leucine rich transmembrane and O-methyltransferase domain containing; plus strand), TOMT (transmembrane O-methyltransferase; plus strand). Cytogenetic location: 11q13.4.
Variant type: single nucleotide variant.
Coding change: c.209G>A on transcript NM_001145308.5; coding-DNA position 209, G replaced by A.
Protein change: p.Arg70Gln; replaces arginine 70 with glutamine.
Molecular consequence: missense variant.
Genome position (GRCh38, 1-based): chr11:72,106,061, G>A. VCF-style: chr11-72106061-G-A. GRCh37 (hg19) VCF-style: chr11-71817107-G-A.
Other names: c.110G>A, p.Arg37Gln (NM_001393500.2); c.209G>A, p.Arg70Gln (NM_001145309.4); c.89G>A, p.Arg30Gln (NM_001145310.4); short protein forms R70Q, R30Q, R37Q.
Identifiers: ClinVar variation 305991 (VCV000305991.13), dbSNP rs188715129, ClinGen allele CA10640061.
Genomic context (GRCh38, chr11:72,106,061, plus strand): 5'-TGGTGCGGTACCGGCACTACTTCCGATTGCTGGTGCGCACGGTCTTGCTGCGAAGCCTCC[G>A]AGACTGCCTGTCAGGGCTGCGGATCGAGGAGCGGGCCTTCAGCTACGTGCTCACCCATGC-3'